The following is an entry in ClinVar:

ClinVar aggregate classification (germline): Uncertain significance (1 of 4 stars; one submission).

Conditions:
Inborn genetic diseases. Identifiers: MedGen C0950123, MeSH D030342.

Submission:

Ambry Genetics
Classification: Uncertain significance for Inborn genetic diseases. Last evaluated: 2026-07-07. Review status: criteria provided, single submitter. Criteria: Ambry Variant Classification Scheme 2023. Collection method: clinical testing. Allele origin: germline.
Comment: The p.Y385H variant (also known as c.1153T>C), located in coding exon 8 of the RUNX1 gene, results from a T to C substitution at nucleotide position 1153. The tyrosine at codon 385 is replaced by histidine, an amino acid with similar properties. This amino acid position is conserved. In addition, this alteration is predicted to be deleterious by in silico analysis. Based on the available evidence, the clinical significance of this variant remains unclear.

NM_001754.5(RUNX1):c.1153T>C (p.Tyr385His)

Gene: RUNX1 (RUNX family transcription factor 1; minus strand). Cytogenetic location: 21q22.12.
Variant type: single nucleotide variant.
Coding change: c.1153T>C on transcript NM_001754.5 (MANE Select); coding-DNA position 1153, T replaced by C.
Protein change: p.Tyr385His; replaces tyrosine 385 with histidine.
Molecular consequence: missense variant.
Genome position (GRCh38, 1-based): chr21:34,792,425, A>G on the plus strand (T>C on the coding strand, the complement: RUNX1 is on the minus strand). VCF-style: chr21-34792425-A-G. GRCh37 (hg19) VCF-style: chr21-36164722-A-G.
Other names: c.1072T>C, p.Tyr358His (NM_001001890.3); short protein forms Y358H, Y385H.
Identifiers: ClinVar variation 5028583 (VCV005028583.1).